The following is an entry in ClinVar:

ClinVar aggregate classification (germline): Uncertain significance (1 of 4 stars; one submission).

Conditions:
Retinitis pigmentosa 59 (RP59). Identifiers: Orphanet 791, MedGen C3151227, MONDO:0013468, OMIM 613861.

gnomAD v4.1: 5 of 1,612,664 alleles (0.00031%); highest among the groups gnomAD compares: African/African-American, 0.0013%; no homozygotes.

Submission:

Labcorp Genetics (formerly Invitae), Labcorp
Classification: Uncertain significance for Retinitis pigmentosa 59. Last evaluated: 2024-06-04. Review status: criteria provided, single submitter. Criteria: Invitae Variant Classification Sherloc (09022015). Collection method: clinical testing. Allele origin: germline.
Comment: This sequence change replaces methionine, which is neutral and non-polar, with valine, which is neutral and non-polar, at codon 261 of the DHDDS protein (p.Met261Val). This variant is not present in population databases (gnomAD no frequency). This variant has not been reported in the literature in individuals affected with DHDDS-related conditions. Algorithms developed to predict the effect of missense changes on protein structure and function output the following: SIFT: "Not Available"; PolyPhen-2: "Benign"; Align-GVGD: "Not Available". The valine amino acid residue is found in multiple mammalian species, which suggests that this missense change does not adversely affect protein function. In summary, the available evidence is currently insufficient to determine the role of this variant in disease. Therefore, it has been classified as a Variant of Uncertain Significance.

NM_205861.3(DHDDS):c.778A>G (p.Met260Val)

Gene: DHDDS (dehydrodolichyl diphosphate synthase subunit; plus strand). Cytogenetic location: 1p36.11.
Variant type: single nucleotide variant.
Coding change: c.778A>G on transcript NM_205861.3 (MANE Select); coding-DNA position 778, A replaced by G.
Protein change: p.Met260Val; replaces methionine 260 with valine.
Molecular consequence: missense variant.
Genome position (GRCh38, 1-based): chr1:26,468,907, A>G. VCF-style: chr1-26468907-A-G. GRCh37 (hg19) VCF-style: chr1-26795398-A-G.
Other names: c.676A>G, p.Met226Val (NM_001243564.2); c.661A>G, p.Met221Val (NM_001243565.2); c.499A>G, p.Met167Val (NM_001319959.2); c.781A>G, p.Met261Val (NM_024887.4); short protein forms M167V, M221V, M226V, M260V, M261V.
Identifiers: ClinVar variation 3618511 (VCV003618511.2).